The following is an entry in ClinVar:

NM_005732.4(RAD50):c.3479T>G (p.Ile1160Ser)

Genes: RAD50 (RAD50 double strand break repair protein; plus strand), TH2-LCR (Th2 cytokine locus control region; plus strand), TH2LCRR (T helper type 2 locus control region associated RNA; minus strand). Cytogenetic location: 5q31.1.
Variant type: single nucleotide variant.
Coding change: c.3479T>G on transcript NM_005732.4 (MANE Select); coding-DNA position 3479, T replaced by G.
Protein change: p.Ile1160Ser; replaces isoleucine 1160 with serine.
Molecular consequence: missense variant. On other transcripts: non-coding transcript variant (2).
Genome position (GRCh38, 1-based): chr5:132,638,084, T>G. VCF-style: chr5-132638084-T-G. GRCh37 (hg19) VCF-style: chr5-131973776-T-G.
Other names: short protein forms I1160S.
Identifiers: ClinVar variation 2862404 (VCV002862404.3), dbSNP rs1751628367, ClinGen allele CA360931030.

ClinVar aggregate classification (germline): Uncertain significance (1 of 4 stars; one submission).

Conditions:
Hereditary cancer-predisposing syndrome. Also called: Hereditary neoplastic syndrome; Tumor predisposition; Neoplastic Syndromes, Hereditary; Hereditary Cancer Syndrome. Identifiers: Orphanet 140162, MedGen C0027672, MeSH D009386, MONDO:0015356.

Submission:

Labcorp Genetics (formerly Invitae), Labcorp
Classification: Uncertain significance for Hereditary cancer-predisposing syndrome. Last evaluated: 2024-04-29. Review status: criteria provided, single submitter. Criteria: Invitae Variant Classification Sherloc (09022015). Collection method: clinical testing. Allele origin: germline.
Comment: This sequence change replaces isoleucine, which is neutral and non-polar, with serine, which is neutral and polar, at codon 1160 of the RAD50 protein (p.Ile1160Ser). This variant is not present in population databases (gnomAD no frequency). This variant has not been reported in the literature in individuals affected with RAD50-related conditions. Advanced modeling of protein sequence and biophysical properties (such as structural, functional, and spatial information, amino acid conservation, physicochemical variation, residue mobility, and thermodynamic stability) performed at Invitae indicates that this missense variant is expected to disrupt RAD50 protein function with a positive predictive value of 80%. Algorithms developed to predict the effect of sequence changes on RNA splicing suggest that this variant may create or strengthen a splice site. In summary, the available evidence is currently insufficient to determine the role of this variant in disease. Therefore, it has been classified as a Variant of Uncertain Significance.